The following is an entry in ClinVar:

ClinVar aggregate classification (germline): Pathogenic/Likely pathogenic. Review status: criteria provided, multiple submitters, no conflicts (2 of 4 stars). 10 submissions from 10 submitters: Pathogenic (5); Likely pathogenic (2). 3 of the submissions do not count toward it. Last evaluated 2025-12-11.

Conditions:
Leukoencephalopathy with vanishing white matter 3 (VWM3). Also called: EIF2B3-Related Childhood Ataxia with Central Nervous System Hypomyelination/Vanishing White Matter; Leukoencephalopathy with vanishing white matter 3, with or without ovarian failure. Identifiers: MedGen C5830405, MONDO:0957871, OMIM 620313.
EIF2B3-related disorder. Also called: EIF2B3-related condition.
Vanishing white matter disease. Also called: Childhood ataxia with diffuse central nervous system hypomyelination; Leukoencephalopathy with vanishing white matter; CACH/VWM syndrome; Cree leukoencehalopathy; CACH syndrome. Identifiers: Orphanet 135, Orphanet 99853, MedGen C1858991, MONDO:0800448.

Allele frequency attached by ClinVar (database versions not stated): ExAC 0.00005; gnomAD exomes 0.00009; TOPMed 0.00009; gnomAD 0.00011 and 0.00012.
gnomAD v4.1: 256 of 1,613,916 alleles (0.016%); highest among the groups gnomAD compares: Non-Finnish European, 0.02%; no homozygotes.

Submissions (10):

Labcorp Genetics (formerly Invitae), Labcorp
Classification: Pathogenic. Last evaluated: 2025-12-11. Review status: criteria provided, single submitter. Criteria: Invitae Variant Classification Sherloc (09022015). Collection method: clinical testing. Allele origin: germline.
Comment: This sequence change replaces alanine, which is neutral and non-polar, with valine, which is neutral and non-polar, at codon 87 of the EIF2B3 protein (p.Ala87Val). This variant is present in population databases (rs113994022, gnomAD 0.02%). This missense change has been observed in individuals with clinical features of leukoencephalopathy with vanishing white matter (PMID: 11835386, 22312164, 25079571, 31418856). ClinVar contains an entry for this variant (Variation ID: 4439). Invitae Evidence Modeling of protein sequence and biophysical properties (such as structural, functional, and spatial information, amino acid conservation, physicochemical variation, residue mobility, and thermodynamic stability) indicates that this missense variant is not expected to disrupt EIF2B3 protein function with a negative predictive value of 80%. Experimental studies have shown that this missense change affects EIF2B3 function (PMID: 33517449). For these reasons, this variant has been classified as Pathogenic.

Mayo Clinic Laboratories, Mayo Clinic
Classification: Likely pathogenic. Last evaluated: 2025-10-17. Review status: criteria provided, single submitter. Criteria: ACMG Guidelines, 2015. Collection method: clinical testing. Allele origin: germline. Observed: 1 variant allele.
Comment: PP3_moderate, PM2_supporting, PM3, PS3_supporting

Variantyx, Inc.
Classification: Likely pathogenic for Leukoencephalopathy with vanishing white matter 3. Last evaluated: 2025-09-16. Review status: criteria provided, single submitter. Criteria: Variantyx Assertion Criteria 2022. Collection method: clinical testing. Allele origin: germline. Inheritance: Autosomal recessive inheritance.
Comment: This is a nonsynonymous variant in the EIF2B3 gene (OMIM: 606273). Pathogenic variants in this gene have been associated with autosomal recessive leukoencephalopathy with vanishing white matter 3 with or without ovarian failure. Functional studies have shown that this variant alters EIF2B3 protein function (PMID: 33517449) (PS3) ad multiple computational algorithms predict a deleterious effect for this variant (REVEL score: 0.871) (PP3). This variant has a 0.0201% maximum allele frequency in non-founder control populations (PM2). Based on the current evidence, this variant is classified as likely pathogenic for autosomal recessive leukoencephalopathy with vanishing white matter 3 with or without ovarian failure.

GeneDx
Classification: Pathogenic. Last evaluated: 2025-04-17. Review status: criteria provided, single submitter. Criteria: GeneDx Variant Classification Process June 2021. Collection method: clinical testing. Allele origin: germline. Affected: yes.
Comment: Published functional studies demonstrate a damaging effect on protein function (PMID: 33517449); This variant is associated with the following publications: (PMID: 27864579, 31418856, 11835386, 25079571, 22312164, 23115207, 16998732, 14572143, 26162493, 31589614, 33084218, 35783294, 36401557, 33517449)

Fulgent Genetics
Classification: Pathogenic for Leukoencephalopathy with vanishing white matter 3. Last evaluated: 2024-04-06. Review status: criteria provided, single submitter. Criteria: ACMG Guidelines, 2015. Collection method: clinical testing. Allele origin: germline.

Women's Health and Genetics/Laboratory Corporation of America, LabCorp
Classification: Pathogenic for Vanishing white matter disease. Last evaluated: 2023-03-22. Review status: criteria provided, single submitter. Criteria: LabCorp Variant Classification Summary - May 2015. Collection method: clinical testing. Allele origin: germline.
Comment: Variant summary: EIF2B3 c.260C>T (p.Ala87Val) results in a non-conservative amino acid change located in the Nucleotidyl transferase domain (IPR005835) of the encoded protein sequence. Four of five in-silico tools predict a damaging effect of the variant on protein function. The variant allele was found at a frequency of 8.8e-05 in 251402 control chromosomes. This frequency is not significantly higher than estimated for a pathogenic variant in EIF2B3 causing Leukoencephalopathy With Vanishing White Matter (8.8e-05 vs 0.00032), allowing no conclusion about variant significance. c.260C>T has been reported in the literature in multiple individuals affected with Leukoencephalopathy With Vanishing White Matter and related clinical features (Example: Robinson_2014, van der Knapp_2002, Cohen_2020, LaPiana_2012 etc.) . These data indicate that the variant is very likely to be associated with disease. To our knowledge, no experimental evidence demonstrating an impact on protein function has been reported. Three clinical diagnostic laboratories have submitted clinical-significance assessments for this variant to ClinVar after 2014 and classified as Pathogenic (n=1), Likely Pathogenic (n=1) and VUS (n=1). Based on the evidence outlined above, the variant was classified as pathogenic.

Blueprint Genetics
Classification: Pathogenic for EIF2B3-related disorders. Last evaluated: 2022-09-14. Review status: criteria provided, single submitter. Criteria: ACMG Guidelines, 2015. Collection method: clinical testing. Allele origin: germline. Affected: yes. Observed: 5 variant alleles.

PreventionGenetics, part of Exact Sciences
Classification: Pathogenic for EIF2B3-related condition. Last evaluated: 2024-01-18. Review status: no assertion criteria provided. Collection method: clinical testing. Allele origin: germline. Not counted in ClinVar's aggregate classification.
Comment: The EIF2B3 c.260C>T variant is predicted to result in the amino acid substitution p.Ala87Val. This variant was reported in homozygous and compound heterozygous state in multiple individuals with leukoencephalopathy with vanishing white matter (van der Knaap et al. 2002. PubMed ID: 11835386; La Piana et al. 2012. PubMed ID: 22312164; Ghezzi et al. 2012. PubMed ID: 23115207; Robinson et al. 2014. PubMed ID: 25079571; Cohen et al. 2019. PubMed ID: 31418856; Capalbo et al. 2019. PubMed ID: 31589614 Table S1; Salinas et al. 2020. PubMed ID: 33084218 Table S1). This variant is reported in 0.016% of alleles in individuals of European (Non-Finnish) descent in gnomAD. This variant is interpreted as pathogenic.

OMIM
Classification: Pathogenic for LEUKOENCEPHALOPATHY WITH VANISHING WHITE MATTER 3. Last evaluated: 2002-02-01. Review status: no assertion criteria provided. Collection method: literature only. Allele origin: germline. Not counted in ClinVar's aggregate classification.

GeneReviews
No classification provided. Condition: Vanishing white matter disease. Review status: no classification provided. Collection method: literature only. Allele origin: germline. Not counted in ClinVar's aggregate classification.
Comment: French-Canadian (non-Cree) founder variant

Literature cited by the submitters: PubMed 11835386 (cited by 4 submitters); PubMed 22312164 (cited by 4 submitters); PubMed 25079571 (cited by 5 submitters); PubMed 31418856 (cited by 3 submitters); PubMed 33517449 (cited by 3 submitters); PubMed 20016818 (cited by Mayo Clinic Laboratories, Mayo Clinic); PubMed 23115207 (cited by Mayo Clinic Laboratories, Mayo Clinic and OMIM); PubMed 25135182 (cited by Mayo Clinic Laboratories, Mayo Clinic); PubMed 31438897 (cited by Mayo Clinic Laboratories, Mayo Clinic); PubMed 33084218 (cited by Mayo Clinic Laboratories, Mayo Clinic); PubMed 35783294 (cited by Mayo Clinic Laboratories, Mayo Clinic and Variantyx, Inc.); PubMed 37171481 (cited by Mayo Clinic Laboratories, Mayo Clinic); PubMed 20301435 (cited by GeneReviews).

NM_020365.5(EIF2B3):c.260C>T (p.Ala87Val)

Gene: EIF2B3 (eukaryotic translation initiation factor 2B subunit gamma; minus strand). Cytogenetic location: 1p34.1.
Variant type: single nucleotide variant.
Coding change: c.260C>T on transcript NM_020365.5 (MANE Select); coding-DNA position 260, C replaced by T.
Protein change: p.Ala87Val; replaces alanine 87 with valine.
Molecular consequence: missense variant.
Genome position (GRCh38, 1-based): chr1:44,978,349, G>A on the plus strand (C>T on the coding strand, the complement: EIF2B3 is on the minus strand). VCF-style: chr1-44978349-G-A. GRCh37 (hg19) VCF-style: chr1-45444021-G-A.
Other names: c.260C>T, p.Ala87Val (NM_001166588.3, NM_001261418.2); short protein forms A87V.
Identifiers: ClinVar variation 4439 (VCV000004439.30), dbSNP rs113994022, ClinGen allele CA340257.